The following is an entry in ClinVar:

NC_000017.10:g.(?_56769995)_(56801471_?)dup

Genes: RAD51C (RAD51 paralog C; plus strand), LOC129390903 (MPRA-validated peak2919 silencer; plus strand), LOC130061310 (ATAC-STARR-seq lymphoblastoid active region 12491; plus strand), LOC130061311 (ATAC-STARR-seq lymphoblastoid active region 12492; plus strand). Cytogenetic location: 17q22.
Variant type: Duplication.
Identifiers: ClinVar variation 656297 (VCV000656297.1).

ClinVar aggregate classification (germline): Uncertain significance (1 of 4 stars; one submission).

Conditions:
Fanconi anemia complementation group O. Also called: RAD51C-Related Fanconi Anemia. Identifiers: Orphanet 84, MedGen C3150653, MONDO:0013248, OMIM 613390.

Submission:

Labcorp Genetics (formerly Invitae), Labcorp
Classification: Uncertain significance for Fanconi anemia, complementation group O. Last evaluated: 2018-12-22. Review status: criteria provided, single submitter. Criteria: Invitae Variant Classification Sherloc (09022015). Collection method: clinical testing. Allele origin: germline.
Comment: This variant is a gross duplication of the genomic region encompassing exons 1-7 of the RAD51C gene. The 5' end of this event is unknown as it extends beyond the assayed region for this gene and therefore may encompass additional genes. The 3' boundary is likely confined to intron 7 of the RAD51C gene. The exact location of this variant in the genome is unknown. In summary, the exact location of the duplicated exons is unknown and the available evidence is currently insufficient to determine the role of this variant in disease. Therefore, it has been classified as a Variant of Uncertain Significance.

Literature cited by the submitters: PubMed 28802053.